The following is an entry in ClinVar:

ClinVar aggregate classification (germline): Uncertain significance (1 of 4 stars; one submission).

Conditions:
Perrault syndrome 4 (PRLTS4). Identifiers: Orphanet 2855, MedGen C3809105, MONDO:0014126, OMIM 615300.

Allele frequency attached by ClinVar (database versions not stated): gnomAD exomes below 0.00001; TOPMed 0.00001.
gnomAD v4.1: 4 of 1,612,106 alleles (0.00025%); highest among the groups gnomAD compares: Middle Eastern, 0.033%; no homozygotes.

Submission:

Dubai Health Genomic Medicine Center, Dubai Health
Classification: Uncertain significance for Perrault syndrome 4. Last evaluated: 2020-10-05. Review status: criteria provided, single submitter. Criteria: ACMG Guidelines, 2015. Collection method: clinical testing. Allele origin: germline. Affected: yes.
Comment: The p.Ala762Asp missense variant in LARS2 has not been previously reported in affected individuals and was absent from large population studies such as the Genome Aggregation Database (gnomAD) and the Greater Middle East (GME) variome database. Computational prediction tools do not suggest an impact to protein function however this information is not predictive enough to rule out pathogenicity. In summary more information is needed to fully assess the clinical significance of this variant.

NM_015340.4(LARS2):c.2285C>A (p.Ala762Asp)

Gene: LARS2 (leucyl-tRNA synthetase 2, mitochondrial; plus strand). Cytogenetic location: 3p21.31.
Variant type: single nucleotide variant.
Coding change: c.2285C>A on transcript NM_015340.4 (MANE Select); coding-DNA position 2285, C replaced by A.
Protein change: p.Ala762Asp; replaces alanine 762 with aspartic acid.
Molecular consequence: missense variant.
Genome position (GRCh38, 1-based): chr3:45,520,289, C>A. VCF-style: chr3-45520289-C-A. GRCh37 (hg19) VCF-style: chr3-45561781-C-A.
Other names: c.2285C>A, p.Ala762Asp (NM_001368263.1); short protein forms A762D.
Identifiers: ClinVar variation 1301726 (VCV001301726.2), dbSNP rs868411376, ClinGen allele CA73582164.
Genomic context (GRCh38, chr3:45,520,289, plus strand): 5'-ATTTCACAGAGGACTTCTCACTGAATTCTGCAATTTCTCAGCTGATGGGACTCAGCAATG[C>A]CCTCTCGGTAAGTGGCCTGTCCTCATTTGCTGGTAGCAGAGGAGGGAGGGAGAGGTGTGG-3'
Protein context (NP_056155.1, residues 752-772): AISQLMGLSN[Ala762Asp]LSQASQSVIL